The following is an entry in ClinVar:

ClinVar aggregate classification (germline): Uncertain significance (1 of 4 stars; one submission).

Allele frequency attached by ClinVar (database versions not stated): ExAC 0.00001.

Submission:

Labcorp Genetics (formerly Invitae), Labcorp
Classification: Uncertain significance. Last evaluated: 2021-07-24. Review status: criteria provided, single submitter. Criteria: Invitae Variant Classification Sherloc (09022015). Collection method: clinical testing. Allele origin: germline.
Comment: Algorithms developed to predict the effect of missense changes on protein structure and function are either unavailable or do not agree on the potential impact of this missense change (SIFT: "Deleterious"; PolyPhen-2: "Probably Damaging"; Align-GVGD: "Class C0"). In summary, the available evidence is currently insufficient to determine the role of this variant in disease. Therefore, it has been classified as a Variant of Uncertain Significance. This variant has not been reported in the literature in individuals affected with KRT17-related conditions. This variant is present in population databases (rs752629599, ExAC 0.01%). This sequence change replaces glycine with aspartic acid at codon 68 of the KRT17 protein (p.Gly68Asp). The glycine residue is moderately conserved and there is a moderate physicochemical difference between glycine and aspartic acid.

NM_000422.3(KRT17):c.203G>A (p.Gly68Asp)

Gene: KRT17 (keratin 17; minus strand). Cytogenetic location: 17q21.2.
Variant type: single nucleotide variant.
Coding change: c.203G>A on transcript NM_000422.3 (MANE Select); coding-DNA position 203, G replaced by A.
Protein change: p.Gly68Asp; replaces glycine 68 with aspartic acid.
Molecular consequence: missense variant.
Genome position (GRCh38, 1-based): chr17:41,624,307, C>T on the plus strand (G>A on the coding strand, the complement: KRT17 is on the minus strand). VCF-style: chr17-41624307-C-T. GRCh37 (hg19) VCF-style: chr17-39780559-C-T.
Other names: short protein forms G68D.
Identifiers: ClinVar variation 1945945 (VCV001945945.5), dbSNP rs752629599, ClinGen allele CA8563819.
Genomic context (GRCh38, chr17:41,624,307, plus strand): 5'-ATGGTGGCCTTCTCACCTCCAGCCAGCAGCCCATCAACACCCCCAAAGCTGCTGCCATAG[C>T]CACCACCAGAGCCAAAGCTGTAGCAGCTGGAGTAGCTGCTACCCCCGAGGGTGCTGCCCA-3'
Protein context (NP_000413.1, residues 58-78): SSCYSFGSGG[Gly68Asp]YGSSFGGVDG